The following is an entry in ClinVar:

ClinVar aggregate classification (germline): Uncertain significance. Review status: criteria provided, multiple submitters, no conflicts (2 of 4 stars). 2 submissions from 2 submitters: Uncertain significance (2). Last evaluated 2025-08-12.

Conditions:
Hereditary cancer-predisposing syndrome. Also called: Neoplastic Syndromes, Hereditary; Tumor predisposition; Hereditary neoplastic syndrome; Hereditary Cancer Syndrome. Identifiers: Orphanet 140162, MedGen C0027672, MeSH D009386, MONDO:0015356.
Colorectal cancer, susceptibility to, 12 (CRCS12). Also called: COLORECTAL CANCER, SUSCEPTIBILITY TO, ON CHROMOSOME 12q24. Identifiers: Orphanet 220460, MedGen C3554460, MONDO:0014038, OMIM 615083.

Submissions (2):

Ambry Genetics
Classification: Uncertain significance for Hereditary cancer-predisposing syndrome. Last evaluated: 2025-08-12. Review status: criteria provided, single submitter. Criteria: Ambry Variant Classification Scheme 2023. Collection method: clinical testing. Allele origin: germline.
Comment: The p.G1457D variant (also known as c.4370G>A), located in coding exon 34 of the POLE gene, results from a G to A substitution at nucleotide position 4370. The glycine at codon 1457 is replaced by aspartic acid, an amino acid with similar properties. This amino acid position is well conserved in available vertebrate species. In addition, the in silico prediction for this alteration is inconclusive. Based on the available evidence, the clinical significance of this variant remains unclear.

Labcorp Genetics (formerly Invitae), Labcorp
Classification: Uncertain significance for Colorectal cancer, susceptibility to, 12. Last evaluated: 2019-02-27. Review status: criteria provided, single submitter. Criteria: Invitae Variant Classification Sherloc (09022015). Collection method: clinical testing. Allele origin: germline.
Comment: This sequence change replaces glycine with aspartic acid at codon 1457 of the POLE protein (p.Gly1457Asp). The glycine residue is moderately conserved and there is a moderate physicochemical difference between glycine and aspartic acid. This variant is not present in population databases (ExAC no frequency). This variant has not been reported in the literature in individuals with POLE-related conditions. Algorithms developed to predict the effect of missense changes on protein structure and function (SIFT, PolyPhen-2, Align-GVGD) all suggest that this variant is likely to be tolerated, but these predictions have not been confirmed by published functional studies and their clinical significance is uncertain. In summary, the available evidence is currently insufficient to determine the role of this variant in disease. Therefore, it has been classified as a Variant of Uncertain Significance.

NM_006231.4(POLE):c.4370G>A (p.Gly1457Asp)

Gene: POLE (DNA polymerase epsilon, catalytic subunit; minus strand). Cytogenetic location: 12q24.33.
Variant type: single nucleotide variant.
Coding change: c.4370G>A on transcript NM_006231.4 (MANE Select); coding-DNA position 4370, G replaced by A.
Protein change: p.Gly1457Asp; replaces glycine 1457 with aspartic acid.
Molecular consequence: missense variant.
Genome position (GRCh38, 1-based): chr12:132,643,481, C>T on the plus strand (G>A on the coding strand, the complement: POLE is on the minus strand). VCF-style: chr12-132643481-C-T. GRCh37 (hg19) VCF-style: chr12-133220067-C-T.
Other names: c.4370G>A (NM_006231.2); short protein forms G1457D.
Identifiers: ClinVar variation 837825 (VCV000837825.2), dbSNP rs776534749, ClinGen allele CA387381252.